The following is an entry in ClinVar:

NM_001429.4(EP300):c.7223A>G (p.Gln2408Arg)

Gene: EP300 (E1A binding protein p300; plus strand). Cytogenetic location: 22q13.2.
Variant type: single nucleotide variant.
Coding change: c.7223A>G on transcript NM_001429.4 (MANE Select); coding-DNA position 7223, A replaced by G.
Protein change: p.Gln2408Arg; replaces glutamine 2408 with arginine.
Molecular consequence: missense variant.
Genome position (GRCh38, 1-based): chr22:41,178,934, A>G. VCF-style: chr22-41178934-A-G. GRCh37 (hg19) VCF-style: chr22-41574938-A-G.
Other names: c.7145A>G, p.Gln2382Arg (NM_001362843.2); short protein forms Q2382R, Q2408R.
Identifiers: ClinVar variation 1704693 (VCV001704693.4), dbSNP rs2145524882, ClinGen allele CA411684777.
Genomic context (GRCh38, chr22:41,178,934, plus strand): 5'-CAAGCGCCACGGACCTGGGACTCAGCACCGATAACTCAGACTTGAATTCAAACCTCTCAC[A>G]GAGTACACTAGACATACACTAGAGACACCTTGTAGTATTTTGGGAGCAAAAAAATTATTT-3'
Protein context (NP_001420.2, residues 2398-2414): DNSDLNSNLS[Gln2408Arg]STLDIH

ClinVar aggregate classification (germline): Likely pathogenic (1 of 4 stars; one submission).

Submission:

GeneDx
Classification: Likely pathogenic. Last evaluated: 2023-08-27. Review status: criteria provided, single submitter. Criteria: GeneDx Variant Classification Process June 2021. Collection method: clinical testing. Allele origin: germline. Affected: yes.
Comment: Not observed at significant frequency in large population cohorts (gnomAD); In silico analysis supports that this missense variant does not alter protein structure/function; Has not been previously published as pathogenic or benign to our knowledge